The following is an entry in ClinVar:

ClinVar aggregate classification (germline): Benign/Likely benign. Review status: criteria provided, multiple submitters, no conflicts (2 of 4 stars). 26 submissions from 19 submitters: Benign (17); Likely benign (4). 5 of the submissions do not count toward it. Last evaluated 2026-02-03.

Conditions:
Cardiovascular phenotype. Identifiers: MedGen CN230736.
Dilated cardiomyopathy 1G (CMD1G). Identifiers: Orphanet 154, MedGen C1858763, MONDO:0011400, OMIM 604145.
Autosomal recessive limb-girdle muscular dystrophy type 2J (LGMDR10). Also called: MUSCULAR DYSTROPHY, LIMB-GIRDLE, AUTOSOMAL RECESSIVE 10; Limb-girdle muscular dystrophy, type 2J. Identifiers: Orphanet 140922, MedGen C1837342, MONDO:0012127, OMIM 608807.
Cardiomyopathy (CMYO). Also called: Cardiomyopathies. Identifiers: Orphanet 167848, MedGen C0878544, MONDO:0004994, HP:0001638. Inheritance: Various modes of inheritance.
Early-onset myopathy with fatal cardiomyopathy (CMYO5). Also called: CONGENITAL MYOPATHY 5 WITH CARDIOMYOPATHY; Salih Myopathy. Identifiers: Orphanet 289377, MedGen C2673677, MONDO:0012714, OMIM 611705. Disease mechanism: loss of function.
Myopathy, myofibrillar, 9, with early respiratory failure (MFM9). Also called: Myopathy, distal, with early respiratory failure, autosomal dominant; Hereditary myopathy with early respiratory failure; MYOPATHY, PROXIMAL, WITH EARLY RESPIRATORY MUSCLE INVOLVEMENT; EDSTROM MYOPATHY. Identifiers: Orphanet 178464, Orphanet 34521, MedGen C1863599, MONDO:0011362, OMIM 603689.
Tibial muscular dystrophy (TMD). Also called: Udd Distal Myopathy – Tibial Muscular Dystrophy; Tibial muscular dystrophy, tardive; UDD MYOPATHY. Identifiers: Orphanet 609, MedGen C1838244, MONDO:0010870, OMIM 600334.

Allele frequency attached by ClinVar (database versions not stated): TOPMed 0.00105; ESP Exome Variant Server 0.00141; gnomAD exomes 0.00218 and 0.00362; 1000 Genomes Project 30x 0.00593; 1000 Genomes Project 0.00599; gnomAD 0.00109 and 0.00182; ExAC 0.00567.
gnomAD v4.1: 3,505 of 1,608,760 alleles (0.22%); highest among the groups gnomAD compares: South Asian, 2.1%; 52 homozygotes.

Submissions (26):

Labcorp Genetics (formerly Invitae), Labcorp
Classification: Benign for Dilated cardiomyopathy 1G; Autosomal recessive limb-girdle muscular dystrophy type 2J. Last evaluated: 2026-02-03. Review status: criteria provided, single submitter. Criteria: Invitae Variant Classification Sherloc (09022015). Collection method: clinical testing. Allele origin: germline.

ARUP Laboratories, Molecular Genetics and Genomics, ARUP Laboratories
Classification: Benign. Last evaluated: 2025-06-23. Review status: criteria provided, single submitter. Criteria: ARUP Molecular Germline Variant Investigation Process 2024. Collection method: clinical testing. Allele origin: germline.

Molecular Diagnostic Laboratory for Inherited Cardiovascular Disease, Montreal Heart Institute
Classification: Benign. Last evaluated: 2025-04-09. Review status: criteria provided, single submitter. Criteria: ACMG Guidelines, 2015. Collection method: clinical testing. Allele origin: germline. Affected: no.

Athena Diagnostics
Classification: Benign. Last evaluated: 2025-01-21. Review status: criteria provided, single submitter. Criteria: Athena Diagnostics Criteria. Collection method: clinical testing. Allele origin: unknown.
Comment: The frequency of this variant in the general population is higher than would generally be expected for pathogenic variants in this gene.

Mayo Clinic Laboratories, Mayo Clinic
Classification: Benign. Last evaluated: 2023-06-16. Review status: criteria provided, single submitter. Criteria: ACMG Guidelines, 2015. Collection method: clinical testing. Allele origin: germline. Observed: 9 variant alleles.
Comment: BS1, BS2

Genome-Nilou Lab
Classification: Benign for Autosomal recessive limb-girdle muscular dystrophy type 2J. Last evaluated: 2021-09-10. Review status: criteria provided, single submitter. Criteria: ACMG Guidelines, 2015. Collection method: clinical testing. Allele origin: germline. Affected: no.

Genome-Nilou Lab
Classification: Benign for Myopathy, myofibrillar, 9, with early respiratory failure. Last evaluated: 2021-09-10. Review status: criteria provided, single submitter. Criteria: ACMG Guidelines, 2015. Collection method: clinical testing. Allele origin: germline. Affected: no.

Genome-Nilou Lab
Classification: Benign for Early-onset myopathy with fatal cardiomyopathy. Last evaluated: 2021-09-10. Review status: criteria provided, single submitter. Criteria: ACMG Guidelines, 2015. Collection method: clinical testing. Allele origin: germline. Affected: no.

Genome-Nilou Lab
Classification: Benign for Tibial muscular dystrophy. Last evaluated: 2021-09-10. Review status: criteria provided, single submitter. Criteria: ACMG Guidelines, 2015. Collection method: clinical testing. Allele origin: germline. Affected: no.

Women's Health and Genetics/Laboratory Corporation of America, LabCorp
Classification: Benign. Last evaluated: 2020-01-06. Review status: criteria provided, single submitter. Criteria: LabCorp Variant Classification Summary - May 2015. Collection method: clinical testing. Allele origin: germline.

CHEO Genetics Diagnostic Laboratory, Children's Hospital of Eastern Ontario
Classification: Benign for Cardiomyopathy. Last evaluated: 2019-05-30. Review status: criteria provided, single submitter. Criteria: ACMG Guidelines, 2015. Collection method: clinical testing. Allele origin: germline.

Illumina Laboratory Services, Illumina
Classification: Likely benign for Dilated cardiomyopathy 1G. Last evaluated: 2018-01-13. Review status: criteria provided, single submitter. Criteria: ICSL Variant Classification Criteria 13 December 2019. Collection method: clinical testing. Allele origin: germline.
Comment: This variant was observed in the ICSL laboratory as part of a predisposition screen in an ostensibly healthy population. It had not been previously curated by ICSL or reported in the Human Gene Mutation Database (HGMD: prior to June 1st, 2018), and was therefore a candidate for classification through an automated scoring system. Utilizing variant allele frequency, disease prevalence and penetrance estimates, and inheritance mode, an automated score was calculated to assess if this variant is too frequent to cause the disease. Based on the score and internal cut-off values, a variant classified as likely benign is not then subjected to further curation. The score for this variant resulted in a classification of likely benign for this disease.

Illumina Laboratory Services, Illumina
Classification: Likely benign for Early-onset myopathy with fatal cardiomyopathy. Last evaluated: 2018-01-13. Review status: criteria provided, single submitter. Criteria: ICSL Variant Classification Criteria 13 December 2019. Collection method: clinical testing. Allele origin: germline.
Comment: the same text as in the submission from Illumina Laboratory Services, Illumina above.

Illumina Laboratory Services, Illumina
Classification: Likely benign for Autosomal recessive limb-girdle muscular dystrophy type 2J. Last evaluated: 2018-01-13. Review status: criteria provided, single submitter. Criteria: ICSL Variant Classification Criteria 13 December 2019. Collection method: clinical testing. Allele origin: germline.
Comment: the same text as in the submission from Illumina Laboratory Services, Illumina above.

Illumina Laboratory Services, Illumina
Classification: Benign for Tibial muscular dystrophy. Last evaluated: 2018-01-13. Review status: criteria provided, single submitter. Criteria: ICSL Variant Classification Criteria 13 December 2019. Collection method: clinical testing. Allele origin: germline.
Comment: This variant was observed in the ICSL laboratory as part of a predisposition screen in an ostensibly healthy population. It had not been previously curated by ICSL or reported in the Human Gene Mutation Database (HGMD: prior to June 1st, 2018), and was therefore a candidate for classification through an automated scoring system. Utilizing variant allele frequency, disease prevalence and penetrance estimates, and inheritance mode, an automated score was calculated to assess if this variant is too frequent to cause the disease. Based on the score and internal cut-off values, a variant classified as benign is not then subjected to further curation. The score for this variant resulted in a classification of benign for this disease.

Illumina Laboratory Services, Illumina
Classification: Benign for Myopathy, myofibrillar, 9, with early respiratory failure. Last evaluated: 2018-01-13. Review status: criteria provided, single submitter. Criteria: ICSL Variant Classification Criteria 13 December 2019. Collection method: clinical testing. Allele origin: germline.
Comment: the same text as in the submission from Illumina Laboratory Services, Illumina above.

Ambry Genetics
Classification: Benign for Cardiovascular phenotype. Last evaluated: 2016-01-06. Review status: criteria provided, single submitter. Criteria: Ambry Variant Classification Scheme 2023. Collection method: clinical testing. Allele origin: germline.

Eurofins Ntd Llc (ga)
Classification: Benign. Last evaluated: 2015-09-01. Review status: criteria provided, single submitter. Criteria: EGL Classification Definitions 2015. Collection method: clinical testing. Allele origin: germline. Observed: 1 variant allele, 1 heterozygote.

Laboratory for Molecular Medicine, Mass General Brigham Personalized Medicine
Classification: Benign. Last evaluated: 2015-04-28. Review status: criteria provided, single submitter. Criteria: LMM Criteria. Collection method: clinical testing. Allele origin: germline. Observed: 14 variant alleles.
Comment: p.Ile16648Ile in exon 244 of TTN: This variant is not expected to have clinical significance because it has been identified in 2.9% (340/11676) of South Asian c hromosomes, including 8 homozygotes, by the Exome Aggregation Consortium (ExAC; dbSNP rs55956577).

GeneDx
Classification: Benign. Last evaluated: 2012-12-19. Review status: criteria provided, single submitter. Criteria: GeneDx Variant Classification (06012015). Collection method: clinical testing. Allele origin: germline. Affected: yes.
Comment: This variant is considered likely benign or benign based on one or more of the following criteria: it is a conservative change, it occurs at a poorly conserved position in the protein, it is predicted to be benign by multiple in silico algorithms, and/or has population frequency not consistent with disease.

Breakthrough Genomics
Classification: Likely benign. Review status: criteria provided, single submitter. Criteria: ACMG Guidelines, 2015. Collection method: not provided. Allele origin: germline. Inheritance: Autosomal recessive inheritance. Affected: yes.

Clinical Genetics DNA and cytogenetics Diagnostics Lab, Erasmus MC, Erasmus Medical Center
Classification: Likely benign. Review status: no assertion criteria provided. Collection method: clinical testing. Allele origin: germline. Affected: yes. Study: VKGL Data-share Consensus. Not counted in ClinVar's aggregate classification.

Clinical Genetics, Academic Medical Center
Classification: Benign. Review status: no assertion criteria provided. Collection method: clinical testing. Allele origin: germline. Affected: yes. Study: VKGL Data-share Consensus. Not counted in ClinVar's aggregate classification.

Diagnostic Laboratory, Department of Genetics, University Medical Center Groningen
Classification: Likely benign. Review status: no assertion criteria provided. Collection method: clinical testing. Allele origin: germline. Affected: yes. Study: VKGL Data-share Consensus. Not counted in ClinVar's aggregate classification.

Joint Genome Diagnostic Labs from Nijmegen and Maastricht, Radboudumc and MUMC+
Classification: Benign. Review status: no assertion criteria provided. Collection method: clinical testing. Allele origin: germline. Affected: yes. Study: VKGL Data-share Consensus. Not counted in ClinVar's aggregate classification.

Laboratory of Diagnostic Genome Analysis, Leiden University Medical Center (LUMC)
Classification: Likely benign. Review status: no assertion criteria provided. Collection method: clinical testing. Allele origin: germline. Affected: yes. Study: VKGL Data-share Consensus. Not counted in ClinVar's aggregate classification.

NM_001267550.2(TTN):c.57648C>T (p.Ile19216=)

Genes: TTN (titin; minus strand), TTN-AS1 (TTN antisense RNA 1; plus strand). Cytogenetic location: 2q31.2.
Variant type: single nucleotide variant.
Coding change: c.57648C>T on transcript NM_001267550.2 (MANE Select); coding-DNA position 57648, C replaced by T.
Protein change: p.Ile19216=; no amino-acid change (isoleucine 19216 retained).
Molecular consequence: synonymous variant.
Genome position (GRCh38, 1-based): chr2:178,595,706, G>A on the plus strand (C>T on the coding strand, the complement: TTN is on the minus strand). VCF-style: chr2-178595706-G-A. GRCh37 (hg19) VCF-style: chr2-179460433-G-A.
Other names: p.I17575I:ATC>ATT; p.Ile17575=; c.52725C>T, p.Ile17575= (NM_001256850.1); c.30453C>T, p.Ile10151= (NM_003319.4); c.49944C>T, p.Ile16648= (NM_133378.4); c.30828C>T, p.Ile10276= (NM_133432.3); c.31029C>T, p.Ile10343= (NM_133437.4).
Identifiers: ClinVar variation 47127 (VCV000047127.50), dbSNP rs55956577, ClinGen allele CA283490.
Genomic context (GRCh38, chr2:178,595,706, plus strand): 5'-ATATGTCACTGGGGTCCATGCTCTGCGGTCAGATTCACGCTTTTCAATGACATAATTGGT[G>A]ATTGGAGAGCCTCCATCATCTTCTGGAGAAAACCATGTCAGTTTGCAGGACTCATTGGTT-3'
Protein context (NP_001254479.2, residues 19206-19226): FSPEDDGGSP[Ile19216=]TNYVIEKRES